The following is an entry in ClinVar:

ClinVar aggregate classification (germline): Uncertain significance. Review status: criteria provided, single submitter (1 of 4 stars). 2 submissions from 2 submitters: Uncertain significance (1). 1 of the submissions does not count toward it. Last evaluated 2021-08-20.

Conditions:
Glutaric acidemia type 2C.
Multiple acyl-CoA dehydrogenase deficiency (MADD). Also called: Glutaric acidemia type II; GA 2; Glutaric aciduria, type 2; ETHYLMALONIC-ADIPICACIDURIA; GA II; Glutaric Acidemia type 2. Identifiers: Orphanet 26791, MedGen C0268596, MONDO:0009282, OMIM 231680.

Submissions (2):

Labcorp Genetics (formerly Invitae), Labcorp
Classification: Uncertain significance for Multiple acyl-CoA dehydrogenase deficiency. Last evaluated: 2021-08-20. Review status: criteria provided, single submitter. Criteria: Invitae Variant Classification Sherloc (09022015). Collection method: clinical testing. Allele origin: germline.
Comment: This sequence change replaces lysine with glutamine at codon 446 of the ETFDH protein (p.Lys446Gln). The lysine residue is highly conserved and there is a small physicochemical difference between lysine and glutamine. This variant is not present in population databases (ExAC no frequency). This variant has not been reported in the literature in individuals affected with ETFDH-related conditions. Advanced modeling of protein sequence and biophysical properties (such as structural, functional, and spatial information, amino acid conservation, physicochemical variation, residue mobility, and thermodynamic stability) performed at Invitae indicates that this missense variant is expected to disrupt ETFDH protein function. In summary, the available evidence is currently insufficient to determine the role of this variant in disease. Therefore, it has been classified as a Variant of Uncertain Significance.

Natera, Inc.
Classification: Uncertain significance for Glutaric acidemia type 2C. Last evaluated: 2020-06-08. Review status: no assertion criteria provided. Collection method: clinical testing. Allele origin: germline. Not counted in ClinVar's aggregate classification.

NM_004453.4(ETFDH):c.1336A>C (p.Lys446Gln)

Gene: ETFDH (electron transfer flavoprotein dehydrogenase; plus strand). Cytogenetic location: 4q32.1.
Variant type: single nucleotide variant.
Coding change: c.1336A>C on transcript NM_004453.4 (MANE Select); coding-DNA position 1336, A replaced by C.
Protein change: p.Lys446Gln; replaces lysine 446 with glutamine.
Molecular consequence: missense variant.
Genome position (GRCh38, 1-based): chr4:158,706,239, A>C. VCF-style: chr4-158706239-A-C. GRCh37 (hg19) VCF-style: chr4-159627391-A-C.
Other names: c.1195A>C, p.Lys399Gln (NM_001281737.2); c.1153A>C, p.Lys385Gln (NM_001281738.1); short protein forms K385Q, K399Q, K446Q.
Identifiers: ClinVar variation 1003181 (VCV001003181.7), dbSNP rs1431935282, ClinGen allele CA358563828.